The following is an entry in ClinVar:

NM_000780.4(CYP7A1):c.318G>A (p.Ala106=)

Gene: CYP7A1 (cytochrome P450 family 7 subfamily A member 1; minus strand). Cytogenetic location: 8q12.1.
Variant type: single nucleotide variant.
Coding change: c.318G>A on transcript NM_000780.4 (MANE Select); coding-DNA position 318, G replaced by A.
Protein change: p.Ala106=; no amino-acid change (alanine 106 retained).
Molecular consequence: synonymous variant.
Genome position (GRCh38, 1-based): chr8:58,498,232, C>T on the plus strand (G>A on the coding strand, the complement: CYP7A1 is on the minus strand). VCF-style: chr8-58498232-C-T. GRCh37 (hg19) VCF-style: chr8-59410791-C-T.
Other names: c.318G>A (NM_000780.3).
Identifiers: ClinVar variation 593335 (VCV000593335.10), dbSNP rs200839929, ClinGen allele CA4756834.

ClinVar aggregate classification (germline): Conflicting classifications of pathogenicity. Review status: criteria provided, conflicting classifications (1 of 4 stars). 3 submissions from 3 submitters: Uncertain significance (1); Likely benign (2). Last evaluated 2025-08-15.

Conditions:
CYP7A1-related disorder. Also called: CYP7A1-related condition.

Allele frequency attached by ClinVar (database versions not stated): ExAC 0.00001; gnomAD exomes 0.00001; gnomAD 0.00003 and 0.00004; TOPMed 0.00004; ESP Exome Variant Server 0.00008.
gnomAD v4.1: 19 of 1,613,890 alleles (0.0012%); highest among the groups gnomAD compares: Middle Eastern, 0.016%; no homozygotes.

Submissions (3):

PreventionGenetics, part of Exact Sciences
Classification: Likely benign for CYP7A1-related condition. Last evaluated: 2025-08-15. Review status: criteria provided, single submitter. Criteria: ACMG Guidelines, 2015. Collection method: clinical testing. Allele origin: germline.
Comment: This variant is classified as likely benign based on ACMG/AMP sequence variant interpretation guidelines (Richards et al. 2015 PMID: 25741868, with internal and published modifications).

Labcorp Genetics (formerly Invitae), Labcorp
Classification: Likely benign. Last evaluated: 2022-01-19. Review status: criteria provided, single submitter. Criteria: Invitae Variant Classification Sherloc (09022015). Collection method: clinical testing. Allele origin: germline.

Eurofins Ntd Llc (ga)
Classification: Uncertain significance. Last evaluated: 2017-07-20. Review status: criteria provided, single submitter. Criteria: EGL Classification Definitions 2015. Collection method: clinical testing. Allele origin: germline. Observed: 1 variant allele, 1 heterozygote.